The following is an entry in ClinVar:

ClinVar aggregate classification (germline): Uncertain significance. Review status: criteria provided, single submitter (1 of 4 stars). 3 submissions from 3 submitters: Uncertain significance (1). 2 of the submissions do not count toward it. Last evaluated 2024-11-19.

Conditions:
Skeletal dysplasia. Also called: Primary bone dysplasia. Identifiers: Orphanet 364526, MedGen C0410528, MONDO:0018230, HP:0002652.
Charcot-Marie-Tooth disease axonal type 2C (HMSN2C). Also called: Charcot-Marie-Tooth Disease Type 2, TRPV4-Related (CMT2C); CHARCOT-MARIE-TOOTH DISEASE, AXONAL, AUTOSOMAL DOMINANT, TYPE 2C; Charcot-Marie-Tooth Neuropathy Type 2C. Identifiers: Orphanet 99937, MedGen C1853710, MONDO:0011633, OMIM 606071.
Spondylometaphyseal dysplasia, Kozlowski type (SMDK). Also called: Dysmorphism arthrogryposis skeletal maturation advanced; Jequier-Kozlowski syndrome; Skeletal dysplasia Jequier-Kozlowski type; SMD Kozlowski type; Spondylometaphyseal Dysplasia, TRPV4-Related (Kozlowski Type). Identifiers: Orphanet 93314, MedGen C0265280, MONDO:0008477, OMIM 184252.

Submissions (3):

Labcorp Genetics (formerly Invitae), Labcorp
Classification: Uncertain significance for Charcot-Marie-Tooth disease axonal type 2C. Last evaluated: 2024-11-19. Review status: criteria provided, single submitter. Criteria: Invitae Variant Classification Sherloc (09022015). Collection method: clinical testing. Allele origin: germline.
Comment: This sequence change replaces alanine, which is neutral and non-polar, with serine, which is neutral and polar, at codon 716 of the TRPV4 protein (p.Ala716Ser). This variant is not present in population databases (gnomAD no frequency). This missense change has been observed in individual(s) with spondylometaphyseal dysplasia (PMID: 19232556). In at least one individual the variant was observed to be de novo. ClinVar contains an entry for this variant (Variation ID: 4996). Invitae Evidence Modeling of protein sequence and biophysical properties (such as structural, functional, and spatial information, amino acid conservation, physicochemical variation, residue mobility, and thermodynamic stability) has been performed for this missense variant. However, the output from this modeling did not meet the statistical confidence thresholds required to predict the impact of this variant on TRPV4 protein function. Experimental studies are conflicting or provide insufficient evidence to determine the effect of this variant on TRPV4 function (PMID: 19232556, 21573172). In summary, the available evidence is currently insufficient to determine the role of this variant in disease. Therefore, it has been classified as a Variant of Uncertain Significance.

OMIM
Classification: Pathogenic for SPONDYLOMETAPHYSEAL DYSPLASIA, KOZLOWSKI TYPE. Last evaluated: 2009-03-01. Review status: no assertion criteria provided. Collection method: literature only. Allele origin: germline. Not counted in ClinVar's aggregate classification.

GeneReviews
No classification provided. Condition: Skeletal dysplasia. Review status: no classification provided. Collection method: literature only. Allele origin: germline. Affected: yes. Not counted in ClinVar's aggregate classification.

Literature cited by the submitters: PubMed 19232556 (cited by Labcorp Genetics (formerly Invitae), Labcorp and OMIM); PubMed 21573172 (cited by Labcorp Genetics (formerly Invitae), Labcorp); NCBI Bookshelf NBK201366 (cited by GeneReviews).

NM_021625.5(TRPV4):c.2146G>T (p.Ala716Ser)

Gene: TRPV4 (transient receptor potential cation channel subfamily V member 4; minus strand). Cytogenetic location: 12q24.11.
Variant type: single nucleotide variant.
Coding change: c.2146G>T on transcript NM_021625.5 (MANE Select); coding-DNA position 2146, G replaced by T.
Protein change: p.Ala716Ser; replaces alanine 716 with serine.
Molecular consequence: missense variant.
Genome position (GRCh38, 1-based): chr12:109,788,462, C>A on the plus strand (G>T on the coding strand, the complement: TRPV4 is on the minus strand). VCF-style: chr12-109788462-C-A. GRCh37 (hg19) VCF-style: chr12-110226267-C-A.
Other names: A716S; c.1966G>T, p.Ala656Ser (NM_147204.3); c.2005G>T, p.Ala669Ser (NM_001177428.2); c.2044G>T, p.Ala682Ser (NM_001177431.2); c.1825G>T, p.Ala609Ser (NM_001177433.2); short protein forms A656S, A609S, A669S, A682S.
Identifiers: ClinVar variation 4996 (VCV000004996.7), dbSNP rs121912635, ClinGen allele CA117172.